The following is an entry in ClinVar:

ClinVar aggregate classification (germline): Uncertain significance (1 of 4 stars; one submission).

Conditions:
Familial focal epilepsy with variable foci (FPEVF). Identifiers: Orphanet 98820, MedGen C1858477, MONDO:0020310.

Allele frequency attached by ClinVar (database versions not stated): TOPMed below 0.00001; gnomAD exomes 0.00001; ExAC 0.00005.

Submission:

Labcorp Genetics (formerly Invitae), Labcorp
Classification: Uncertain significance for Familial focal epilepsy with variable foci. Last evaluated: 2024-10-30. Review status: criteria provided, single submitter. Criteria: Invitae Variant Classification Sherloc (09022015). Collection method: clinical testing. Allele origin: germline.
Comment: This sequence change replaces alanine, which is neutral and non-polar, with valine, which is neutral and non-polar, at codon 701 of the DEPDC5 protein (p.Ala701Val). This variant is present in population databases (rs754178739, gnomAD 0.07%). This variant has not been reported in the literature in individuals affected with DEPDC5-related conditions. ClinVar contains an entry for this variant (Variation ID: 2748346). Experimental studies and prediction algorithms are not available or were not evaluated, and the functional significance of this variant is currently unknown. Algorithms developed to predict the effect of sequence changes on RNA splicing suggest that this variant may disrupt the consensus splice site. In summary, the available evidence is currently insufficient to determine the role of this variant in disease. Therefore, it has been classified as a Variant of Uncertain Significance.

NM_001242896.3(DEPDC5):c.2102C>T (p.Ala701Val)

Gene: DEPDC5 (DEP domain containing 5, GATOR1 subcomplex subunit; plus strand). Cytogenetic location: 22q12.3.
Variant type: single nucleotide variant.
Coding change: c.2102C>T on transcript NM_001242896.3 (MANE Select); coding-DNA position 2102, C replaced by T.
Protein change: p.Ala701Val; replaces alanine 701 with valine.
Molecular consequence: missense variant. On other transcripts: non-coding transcript variant (4), intron variant (3).
Genome position (GRCh38, 1-based): chr22:31,822,788, C>T. VCF-style: chr22-31822788-C-T. GRCh37 (hg19) VCF-style: chr22-32218774-C-T.
Other names: c.2102C>T, p.Ala701Val (NM_001136029.4, NM_001363852.2, NM_001364318.2 and 3 more transcripts); c.2018C>T, p.Ala673Val (NM_001369901.1, NM_001369902.1); c.1870+3563C>T (NM_001363854.2, NM_001242897.2, NM_001364319.2); short protein forms A673V, A701V.
Identifiers: ClinVar variation 2748346 (VCV002748346.3), dbSNP rs754178739, ClinGen allele CA10196564.